The following is an entry in ClinVar:

NM_015215.4(CAMTA1):c.3408C>T (p.Ala1136=)

Gene: CAMTA1 (calmodulin binding transcription activator 1; plus strand). Cytogenetic location: 1p36.23.
Variant type: single nucleotide variant.
Coding change: c.3408C>T on transcript NM_015215.4 (MANE Select); coding-DNA position 3408, C replaced by T.
Protein change: p.Ala1136=; no amino-acid change (alanine 1136 retained).
Molecular consequence: synonymous variant.
Genome position (GRCh38, 1-based): chr1:7,737,320, C>T. VCF-style: chr1-7737320-C-T. GRCh37 (hg19) VCF-style: chr1-7797380-C-T.
Other names: c.3318C>T, p.Ala1106= (NM_001349608.2, NM_001349612.2); c.3408C>T, p.Ala1136= (NM_001349609.2, NM_001349610.2, NM_001410737.1); c.537C>T, p.Ala179= (NM_001349613.1); c.480C>T, p.Ala160= (NM_001349614.1, NM_001349615.2, NM_001349616.2 and 10 more transcripts); c.3336C>T, p.Ala1112= (NM_001410738.1).
Identifiers: ClinVar variation 2638140 (VCV002638140.27), dbSNP rs1163318276, ClinGen allele CA415818593.

ClinVar aggregate classification (germline): Likely benign. Review status: criteria provided, multiple submitters, no conflicts (2 of 4 stars). 2 submissions from 2 submitters: Likely benign (2). Last evaluated 2022-11-17.

Allele frequency attached by ClinVar (database versions not stated): gnomAD exomes below 0.00001; gnomAD 0.00001; TOPMed 0.00001.
gnomAD v4.1: 5 of 1,614,100 alleles (0.00031%); highest among the groups gnomAD compares: Non-Finnish European, 0.00042%; no homozygotes.

Submissions (2):

Labcorp Genetics (formerly Invitae), Labcorp
Classification: Likely benign. Last evaluated: 2022-11-17. Review status: criteria provided, single submitter. Criteria: Invitae Variant Classification Sherloc (09022015). Collection method: clinical testing. Allele origin: germline.

CeGaT Center for Human Genetics Tuebingen
Classification: Likely benign. Last evaluated: 2022-08-01. Review status: criteria provided, single submitter. Criteria: CeGaT Center For Human Genetics Tuebingen Variant Classification Criteria Version 2. Collection method: clinical testing. Allele origin: germline. Affected: yes. Observed: 1 variant allele.
Comment: CAMTA1: BP4, BP7